The following is an entry in ClinVar:

NM_012330.4(KAT6B):c.5965C>T (p.Leu1989Phe)

Gene: KAT6B (lysine acetyltransferase 6B; plus strand). Cytogenetic location: 10q22.2.
Variant type: single nucleotide variant.
Coding change: c.5965C>T on transcript NM_012330.4 (MANE Select); coding-DNA position 5965, C replaced by T.
Protein change: p.Leu1989Phe; replaces leucine 1989 with phenylalanine.
Molecular consequence: missense variant.
Genome position (GRCh38, 1-based): chr10:75,030,789, C>T. VCF-style: chr10-75030789-C-T. GRCh37 (hg19) VCF-style: chr10-76790547-C-T.
Other names: c.5416C>T, p.Leu1806Phe (NM_001256468.2, NM_001370138.1); c.5089C>T, p.Leu1697Phe (NM_001256469.2, NM_001370139.1, NM_001370140.1 and 2 more transcripts); c.4927C>T, p.Leu1643Phe (NM_001370132.1); c.4276C>T, p.Leu1426Phe (NM_001370133.1); c.3880C>T, p.Leu1294Phe (NM_001370134.1); c.3622C>T, p.Leu1208Phe (NM_001370135.1); c.5965C>T, p.Leu1989Phe (NM_001370136.1, NM_001370137.1); c.4900C>T, p.Leu1634Phe (NM_001370143.1, NM_001370144.1); short protein forms L1697F, L1208F, L1806F, L1426F, L1643F, L1989F, L1294F, L1634F.
Identifiers: ClinVar variation 4760381 (VCV004760381.1).

ClinVar aggregate classification (germline): Uncertain significance (1 of 4 stars; one submission).

Conditions:
Genitopatellar syndrome (GTPTS). Also called: Genitopatellar syndrome (GPS); ABSENT PATELLAE, SCROTAL HYPOPLASIA, RENAL ANOMALIES, FACIAL DYSMORPHISM, AND MENTAL RETARDATION. Identifiers: Orphanet 85201, MedGen C1853566, MONDO:0011640, OMIM 606170.

Submission:

Labcorp Genetics (formerly Invitae), Labcorp
Classification: Uncertain significance for Genitopatellar syndrome. Last evaluated: 2025-07-06. Review status: criteria provided, single submitter. Criteria: Invitae Variant Classification Sherloc (09022015). Collection method: clinical testing. Allele origin: germline.
Comment: This sequence change replaces leucine, which is neutral and non-polar, with phenylalanine, which is neutral and non-polar, at codon 1989 of the KAT6B protein (p.Leu1989Phe). This variant is not present in population databases (gnomAD no frequency). This variant has not been reported in the literature in individuals affected with KAT6B-related conditions. An algorithm developed to predict the effect of missense changes on protein structure and function (PolyPhen-2) suggests that this variant is likely to be disruptive. In summary, the available evidence is currently insufficient to determine the role of this variant in disease. Therefore, it has been classified as a Variant of Uncertain Significance.